The following is an entry in ClinVar:

NM_000455.5(STK11):c.1042del (p.Asp348fs)

Genes: STK11 (serine/threonine kinase 11; plus strand), LOC130062899 (ATAC-STARR-seq lymphoblastoid active region 13597; plus strand). Cytogenetic location: 19p13.3.
Variant type: Deletion.
Coding change: c.1042del on transcript NM_000455.5 (MANE Select); coding-DNA position 1042, one base deleted (G; older notation c.1042delG).
Protein change: p.Asp348fs; shifts the reading frame from aspartic acid 348.
Molecular consequence: frameshift variant.
Genome position (GRCh38, 1-based): chr19:1,223,106, G deleted; the last of 2 consecutive G bases (chr19:1,223,105-1,223,106); deleting either gives the same sequence. VCF-style (leftmost placement, unchanged base first): chr19-1223104-CG-C. GRCh37 (hg19) VCF-style: chr19-1223103-CG-C.
Other names: c.1042delG, p.Asp348Thrfs (NM_001407255.1); short protein forms D348fs.
Identifiers: ClinVar variation 2032070 (VCV002032070.4), dbSNP rs2512949158, ClinGen allele CA2580096143.
Genomic context (GRCh38, chr19:1,223,104, plus strand): 5'-ACACCAAGGACCGGTGGCGCAGCATGACTGTGGTGCCGTACTTGGAGGACCTGCACGGCG[CG>C]GACGAGGACGAGGACCTCTTCGACATCGAGGATGACATCATCTACACTCAGGACTTCACG-3'

ClinVar aggregate classification (germline): Conflicting classifications of pathogenicity. Review status: criteria provided, conflicting classifications (1 of 4 stars). 3 submissions from 3 submitters: Pathogenic (2); Uncertain significance (1). Last evaluated 2025-07-27.

Conditions:
Hereditary cancer-predisposing syndrome. Also called: Tumor predisposition; Hereditary neoplastic syndrome; Neoplastic Syndromes, Hereditary; Hereditary Cancer Syndrome. Identifiers: Orphanet 140162, MedGen C0027672, MeSH D009386, MONDO:0015356.
Peutz-Jeghers syndrome (PJS). Also called: POLYPOSIS, HAMARTOMATOUS INTESTINAL; POLYPS-AND-SPOTS SYNDROME; Peutz-Jeghers polyposis; Periorificial lentiginosis syndrome. Identifiers: Orphanet 2869, MedGen C0031269, MeSH D010580, MONDO:0008280, OMIM 175200.

Submissions (3):

Labcorp Genetics (formerly Invitae), Labcorp
Classification: Uncertain significance for Peutz-Jeghers syndrome. Last evaluated: 2025-07-27. Review status: criteria provided, single submitter. Criteria: Invitae Variant Classification Sherloc (09022015). Collection method: clinical testing. Allele origin: germline.
Comment: This sequence change creates a premature translational stop signal (p.Asp348Thrfs*45) in the STK11 gene. While this is not anticipated to result in nonsense mediated decay, it is expected to disrupt the last 86 amino acid(s) of the STK11 protein. This variant is not present in population databases (gnomAD no frequency). This variant has not been reported in the literature in individuals affected with STK11-related conditions. ClinVar contains an entry for this variant (Variation ID: 2032070). In summary, the available evidence is currently insufficient to determine the role of this variant in disease. Therefore, it has been classified as a Variant of Uncertain Significance.

Ambry Genetics
Classification: Pathogenic for Hereditary cancer-predisposing syndrome. Last evaluated: 2025-07-09. Review status: criteria provided, single submitter. Criteria: Ambry Variant Classification Scheme 2023. Collection method: clinical testing. Allele origin: germline.
Comment: The c.1042delG pathogenic mutation, located in coding exon 8 of the STK11 gene, results from a deletion of one nucleotide at nucleotide position 1042, causing a translational frameshift with a predicted alternate stop codon (p.D348Tfs*45). This variant is considered to be rare based on population cohorts in the Genome Aggregation Database (gnomAD). This alteration is expected to result in loss of function by premature protein truncation or nonsense-mediated mRNA decay. As such, this alteration is interpreted as a disease-causing mutation.

Myriad Genetics, Inc.
Classification: Pathogenic for Peutz-Jeghers syndrome. Last evaluated: 2024-02-12. Review status: criteria provided, single submitter. Criteria: Myriad Autosomal Dominant, Autosomal Recessive and X-Linked Classification Criteria (2023). Collection method: clinical testing. Allele origin: unknown.
Comment: This variant is considered pathogenic. This variant creates a frameshift predicted to result in premature protein truncation.